The following is an entry in ClinVar:

ClinVar aggregate classification (germline): Uncertain significance (1 of 4 stars; one submission).

Conditions:
Pyogenic arthritis-pyoderma gangrenosum-acne syndrome (PAPA). Also called: FAMILIAL RECURRENT ARTHRITIS; PAPA SYNDROME. Identifiers: Orphanet 69126, MedGen C1858361, MONDO:0011462, OMIM 604416.

Submission:

ARUP Laboratories, Molecular Genetics and Genomics, ARUP Laboratories
Classification: Uncertain significance for Pyogenic arthritis-pyoderma gangrenosum-acne syndrome. Last evaluated: 2021-03-04. Review status: criteria provided, single submitter. Criteria: ARUP Molecular Germline Variant Investigation Process 2021. Collection method: clinical testing. Allele origin: germline.
Comment: The PSTPIP1 c.38_39delinsTT; p.Cys13Phe variant, to our knowledge, is not reported in the medical literature or gene specific databases. This variant is also absent from the Genome Aggregation Database, indicating it is not a common polymorphism. The cysteine at codon 13 is moderately conserved, and computational analyses are uncertain whether this variant is neutral or deleterious (REVEL: 0.184). Due to limited information, the clinical significance of the p.Cys13Phe variant is uncertain at this time.

NM_003978.5(PSTPIP1):c.38_39delinsTT (p.Cys13Phe)

Gene: PSTPIP1 (proline-serine-threonine phosphatase interacting protein 1; plus strand). Cytogenetic location: 15q24.3.
Variant type: Indel.
Coding change: c.38_39delinsTT on transcript NM_003978.5 (MANE Select); coding-DNA positions 38 to 39, GC replaced by TT.
Protein change: p.Cys13Phe; replaces cysteine 13 with phenylalanine.
Molecular consequence: missense variant. On other transcripts: non-coding transcript variant (1).
Genome position (GRCh38, 1-based): chr15:77,018,149-77,018,150, GC replaced by TT. VCF-style: chr15-77018149-GC-TT. GRCh37 (hg19) VCF-style: chr15-77310490-GC-TT.
Other names: c.38_39delinsTT, p.Cys13Phe (NM_001321135.2); c.11_12delinsTT, p.Cys4Phe (NM_001321136.2); c.233_234delinsTT, p.Cys78Phe (NM_001321137.1); short protein forms C13F, C4F, C78F.
Identifiers: ClinVar variation 1330574 (VCV001330574.7), dbSNP rs2152678700, ClinGen allele CA2573054108.